The following is an entry in ClinVar:

ClinVar aggregate classification (germline): Pathogenic/Likely pathogenic. Review status: criteria provided, multiple submitters, no conflicts (2 of 4 stars). 2 submissions from 2 submitters: Pathogenic (1); Likely pathogenic (1). Last evaluated 2021-04-15.

Conditions:
Leukodystrophy, hypomyelinating, 2. Also called: PELIZAEUS-MERZBACHER-LIKE DISEASE, 1. Identifiers: Orphanet 280270, Orphanet 280282, MedGen C1837355, MONDO:0012125, OMIM 608804.

Allele frequency attached by ClinVar (database versions not stated): gnomAD exomes below 0.00001; TOPMed below 0.00001; gnomAD 0.00002.
gnomAD v4.1: 3 of 1,015,386 alleles (0.0003%); highest among the groups gnomAD compares: African/African-American, 0.0039%; no homozygotes.

Submissions (2):

Molecular Diagnostics Lab, Nemours Children's Health, Delaware
Classification: Pathogenic for Leukodystrophy, hypomyelinating, 2. Last evaluated: 2021-04-15. Review status: criteria provided, single submitter. Criteria: ACMG Guidelines, 2015. Collection method: clinical testing. Allele origin: maternal, paternal, unknown. Inheritance: Autosomal recessive inheritance. Affected: yes and no. Observed: 1 heterozygote, 2 compound heterozygotes. Clinical features observed: Hypertonia (HP:0001276), Nystagmus (HP:0000639), Cerebral hypomyelination (HP:0006808).
Comment: This nonsense variant (c.17G>A, p.Trp6*) has been observed at extremely low frequency in population databases (gnomAD). The change has not been reported in the literature and no functional studies have been published.

Center for Pediatric Genomic Medicine, Children's Mercy Hospital and Clinics
Classification: Likely pathogenic. Last evaluated: 2016-01-11. Review status: criteria provided, single submitter. Criteria: ACMG Guidelines, 2015. Collection method: clinical testing. Allele origin: germline.

NM_020435.4(GJC2):c.17G>A (p.Trp6Ter)

Gene: GJC2 (gap junction protein gamma 2; plus strand). Cytogenetic location: 1q42.13.
Variant type: single nucleotide variant.
Coding change: c.17G>A on transcript NM_020435.4 (MANE Select); coding-DNA position 17, G replaced by A.
Protein change: p.Trp6Ter; replaces tryptophan 6 with a stop codon.
Molecular consequence: nonsense.
Genome position (GRCh38, 1-based): chr1:228,157,775, G>A. VCF-style: chr1-228157775-G-A. GRCh37 (hg19) VCF-style: chr1-228345476-G-A.
Other names: c.17G>A (NM_020435.3); short protein forms W6*.
Identifiers: ClinVar variation 235629 (VCV000235629.4), dbSNP rs878853083, ClinGen allele CA10581381.